The following is an entry in ClinVar:

NM_001382508.1(DROSHA):c.2943-5dup

Gene: DROSHA (drosha ribonuclease III; minus strand). Cytogenetic location: 5p13.3.
Variant type: Duplication.
Coding change: c.2943-5dup on transcript NM_001382508.1 (MANE Select); 5 bases into the intron before coding-DNA position 2943, one base duplicated (T; older notation c.2943-5dupT).
Molecular consequence: intron variant.
Genome position (GRCh38, 1-based): chr5:31,435,869, A duplicated on the plus strand (T on the coding strand, the reverse complement: DROSHA is on the minus strand); the first of 11 consecutive A bases (chr5:31,435,869-31,435,879); duplicating any one gives the same sequence. VCF-style (leftmost placement, unchanged base first): chr5-31435868-C-CA. GRCh37 (hg19) VCF-style: chr5-31435975-C-CA.
Other names: c.2943-5dup (NM_013235.5); c.2832-5dup (NM_001100412.2).
Identifiers: ClinVar variation 3058975 (VCV003058975.2), dbSNP rs199971247, ClinGen allele CA3217317.

ClinVar aggregate classification (germline): Benign (0 of 4 stars; one submission).

Conditions:
DROSHA-related disorder. Also called: DROSHA-related condition.

Submission:

PreventionGenetics, part of Exact Sciences
Classification: Benign for DROSHA-related condition. Last evaluated: 2021-02-01. Review status: no assertion criteria provided. Collection method: clinical testing. Allele origin: germline.
Comment: This variant is classified as benign based on ACMG/AMP sequence variant interpretation guidelines (Richards et al. 2015 PMID: 25741868, with internal and published modifications).